The following is an entry in ClinVar:

NM_007272.3(CTRC):c.107C>T (p.Ala36Val)

Gene: CTRC (chymotrypsin C; plus strand). Cytogenetic location: 1p36.21.
Variant type: single nucleotide variant.
Coding change: c.107C>T on transcript NM_007272.3 (MANE Select); coding-DNA position 107, C replaced by T.
Protein change: p.Ala36Val; replaces alanine 36 with valine.
Molecular consequence: missense variant.
Genome position (GRCh38, 1-based): chr1:15,440,366, C>T. VCF-style: chr1-15440366-C-T. GRCh37 (hg19) VCF-style: chr1-15766862-C-T.
Other names: short protein forms A36V.
Identifiers: ClinVar variation 4869532 (VCV004869532.1).

ClinVar aggregate classification (germline): Uncertain significance (1 of 4 stars; one submission).

Conditions:
Hereditary pancreatitis (PCTT). Also called: Hereditary chronic pancreatitis; PRSS1-Related Hereditary Pancreatitis. Identifiers: Orphanet 676, MedGen C0238339, MONDO:0008185, OMIM 167800.

gnomAD v4.1: 1 of 1,611,910 alleles (0.000062%); highest among the groups gnomAD compares: South Asian, 0.0011%; no homozygotes.

Submission:

Ambry Genetics
Classification: Uncertain significance for Hereditary pancreatitis. Last evaluated: 2026-04-28. Review status: criteria provided, single submitter. Criteria: Ambry Variant Classification Scheme 2023. Collection method: clinical testing. Allele origin: germline.
Comment: The p.A36V variant (also known as c.107C>T), located in coding exon 2 of the CTRC gene, results from a C to T substitution at nucleotide position 107. The alanine at codon 36 is replaced by valine, an amino acid with similar properties. This amino acid position is conserved. In addition, the in silico prediction for this alteration is inconclusive. Based on the available evidence, the clinical significance of this variant remains unclear.